The following is an entry in ClinVar:

ClinVar aggregate classification (germline): Uncertain significance (1 of 4 stars; one submission).

Allele frequency attached by ClinVar (database versions not stated): TOPMed below 0.00001.

Submission:

Ambry Genetics
Classification: Uncertain significance. Last evaluated: 2024-01-03. Review status: criteria provided, single submitter. Criteria: Ambry Variant Classification Scheme 2023. Collection method: clinical testing. Allele origin: germline.
Comment: The p.Q539H variant (also known as c.1617G>T), located in coding exon 3 of the ALPK2 gene, results from a G to T substitution at nucleotide position 1617. The glutamine at codon 539 is replaced by histidine, an amino acid with highly similar properties. This amino acid position is conserved. In addition, this alteration is predicted to be tolerated by in silico analysis. Since supporting evidence is limited at this time, the clinical significance of this alteration remains unclear.

NM_052947.4(ALPK2):c.1617G>T (p.Gln539His)

Gene: ALPK2 (alpha kinase 2; minus strand). Cytogenetic location: 18q21.31.
Variant type: single nucleotide variant.
Coding change: c.1617G>T on transcript NM_052947.4 (MANE Select); coding-DNA position 1617, G replaced by T.
Protein change: p.Gln539His; replaces glutamine 539 with histidine.
Molecular consequence: missense variant.
Genome position (GRCh38, 1-based): chr18:58,579,159, C>A on the plus strand (G>T on the coding strand, the complement: ALPK2 is on the minus strand). VCF-style: chr18-58579159-C-A. GRCh37 (hg19) VCF-style: chr18-56246391-C-A.
Other names: short protein forms Q539H.
Identifiers: ClinVar variation 3228578 (VCV003228578.1), dbSNP rs2051940171, ClinGen allele CA402561518.